The following is an entry in ClinVar:

NM_016938.5(EFEMP2):c.1135del (p.Arg379fs)

Gene: EFEMP2 (EGF-like fibulin extracellular matrix protein 2; minus strand). Cytogenetic location: 11q13.1.
Variant type: Deletion.
Coding change: c.1135del on transcript NM_016938.5 (MANE Select); coding-DNA position 1135, one base deleted (C; older notation c.1135delC).
Protein change: p.Arg379fs; shifts the reading frame from arginine 379.
Molecular consequence: frameshift variant. On other transcripts: non-coding transcript variant (1).
Genome position (GRCh38, 1-based): chr11:65,867,896, G deleted on the plus strand (C on the coding strand, the reverse complement: EFEMP2 is on the minus strand); the first of 2 consecutive G bases (chr11:65,867,896-65,867,897); deleting either gives the same sequence. VCF-style (leftmost placement, unchanged base first): chr11-65867895-CG-C. GRCh37 (hg19) VCF-style: chr11-65635366-CG-C.
Other names: short protein forms R379fs.
Identifiers: ClinVar variation 3653395 (VCV003653395.2).

ClinVar aggregate classification (germline): Pathogenic (1 of 4 stars; one submission).

Conditions:
Cutis laxa, autosomal recessive, type 1B (ARCL1B). Also called: EFEMP2-Related Cutis Laxa; CUTIS LAXA, AUTOSOMAL RECESSIVE, TYPE IB. Identifiers: Orphanet 90349, MedGen C3280798, MONDO:0013754, OMIM 614437. Disease mechanism: loss of function.

Submission:

Labcorp Genetics (formerly Invitae), Labcorp
Classification: Pathogenic for Cutis laxa, autosomal recessive, type 1B. Last evaluated: 2024-05-14. Review status: criteria provided, single submitter. Criteria: Invitae Variant Classification Sherloc (09022015). Collection method: clinical testing. Allele origin: germline.
Comment: This sequence change creates a premature translational stop signal (p.Arg379Valfs*27) in the EFEMP2 gene. While this is not anticipated to result in nonsense mediated decay, it is expected to disrupt the last 65 amino acid(s) of the EFEMP2 protein. This variant is not present in population databases (gnomAD no frequency). This variant has not been reported in the literature in individuals affected with EFEMP2-related conditions. This variant disrupts a region of the EFEMP2 protein in which other variant(s) (p.Ala397Thr) have been determined to be pathogenic (PMID: 20389311, 31384147). This suggests that this is a clinically significant region of the protein, and that variants that disrupt it are likely to be disease-causing. For these reasons, this variant has been classified as Pathogenic.

Literature cited by the submitters: PubMed 20389311; PubMed 31384147.